The following is an entry in ClinVar:

NM_002608.4(PDGFB):c.289T>C (p.Cys97Arg)

Gene: PDGFB (platelet derived growth factor subunit B; minus strand). Cytogenetic location: 22q13.1.
Variant type: single nucleotide variant.
Coding change: c.289T>C on transcript NM_002608.4 (MANE Select); coding-DNA position 289, T replaced by C.
Protein change: p.Cys97Arg; replaces cysteine 97 with arginine.
Molecular consequence: missense variant.
Genome position (GRCh38, 1-based): chr22:39,231,789, A>G on the plus strand (T>C on the coding strand, the complement: PDGFB is on the minus strand). VCF-style: chr22-39231789-A-G. GRCh37 (hg19) VCF-style: chr22-39627794-A-G.
Other names: c.244T>C, p.Cys82Arg (NM_033016.3); short protein forms C97R, C82R.
Identifiers: ClinVar variation 2725521 (VCV002725521.3), dbSNP rs2517762190, ClinGen allele CA411601067.

ClinVar aggregate classification (germline): Uncertain significance (1 of 4 stars; one submission).

Submission:

Labcorp Genetics (formerly Invitae), Labcorp
Classification: Uncertain significance. Last evaluated: 2023-06-23. Review status: criteria provided, single submitter. Criteria: Invitae Variant Classification Sherloc (09022015). Collection method: clinical testing. Allele origin: germline.
Comment: This sequence change replaces cysteine, which is neutral and slightly polar, with arginine, which is basic and polar, at codon 97 of the PDGFB protein (p.Cys97Arg). This variant is not present in population databases (gnomAD no frequency). This variant has not been reported in the literature in individuals affected with PDGFB-related conditions. Advanced modeling of protein sequence and biophysical properties (such as structural, functional, and spatial information, amino acid conservation, physicochemical variation, residue mobility, and thermodynamic stability) performed at Invitae indicates that this missense variant is expected to disrupt PDGFB protein function. In summary, the available evidence is currently insufficient to determine the role of this variant in disease. Therefore, it has been classified as a Variant of Uncertain Significance.